The following is an entry in ClinVar:

NM_000222.3(KIT):c.2119_2139dup (p.Leu707_Ser713dup)

Gene: KIT (KIT proto-oncogene, receptor tyrosine kinase; plus strand). Cytogenetic location: 4q12.
Variant type: Duplication.
Coding change: c.2119_2139dup on transcript NM_000222.3 (MANE Select); coding-DNA positions 2119 to 2139, 21 bases duplicated (CTGCATTCAAAGGAGTCTTCC).
Protein change: p.Leu707_Ser713dup.
Molecular consequence: inframe insertion.
Genome position (GRCh38, 1-based): chr4:54,729,463-54,729,483, CTGCATTCAAAGGAGTCTTCC duplicated. VCF-style (leftmost placement, unchanged base first): chr4-54729462-T-TCTGCATTCAAAGGAGTCTTCC. GRCh37 (hg19) VCF-style: chr4-55595628-T-TCTGCATTCAAAGGAGTCTTCC.
Other names: c.2119_2139dupCTGCATTCAAAGGAGTCTTCC (NM_000222.2); c.2107_2127dup, p.Leu703_Ser709dup (NM_001093772.2, NM_001385286.1); c.2122_2142dup, p.Leu708_Ser714dup (NM_001385284.1, NM_001385290.1); c.2119_2139dup, p.Leu707_Ser713dup (NM_001385285.1); c.2110_2130dup, p.Leu704_Ser710dup (NM_001385288.1, NM_001385292.1).
Identifiers: ClinVar variation 847388 (VCV000847388.12), dbSNP rs1722449916, ClinGen allele CA916081454.

ClinVar aggregate classification (germline): Uncertain significance. Review status: criteria provided, multiple submitters, no conflicts (2 of 4 stars). 3 submissions from 3 submitters: Uncertain significance (3). Last evaluated 2025-08-28.

Conditions:
Hereditary cancer-predisposing syndrome. Also called: Neoplastic Syndromes, Hereditary; Tumor predisposition; Hereditary Cancer Syndrome; Hereditary neoplastic syndrome. Identifiers: Orphanet 140162, MedGen C0027672, MeSH D009386, MONDO:0015356.
Gastrointestinal stromal tumor. Also called: Gastrointestinal stromal tumor, somatic; Gastrointestinal stroma tumor. Identifiers: Orphanet 44890, MedGen C0238198, MeSH D046152, MONDO:0011719, OMIM 606764, HP:0100723.

Submissions (3):

Ambry Genetics
Classification: Uncertain significance for Hereditary cancer-predisposing syndrome. Last evaluated: 2025-08-28. Review status: criteria provided, single submitter. Criteria: Ambry Variant Classification Scheme 2023. Collection method: clinical testing. Allele origin: germline.
Comment: The c.2119_2139dup21 variant (also known as p.L707_S713dup), located in coding exon 14 of the KIT gene, results from an in-frame duplication of 21 nucleotides at nucleotide positions 2119 to 2139. This results in the duplication of 7 extra residues (LHSKESS) between codons 707 and 713. In addition, the in silico prediction for this variant is inconclusive (Choi Y et al. PLoS ONE. 2012; 7(10):e46688). Based on the available evidence, the clinical significance of this variant remains unclear.

Labcorp Genetics (formerly Invitae), Labcorp
Classification: Uncertain significance for Gastrointestinal stromal tumor. Last evaluated: 2024-09-25. Review status: criteria provided, single submitter. Criteria: Invitae Variant Classification Sherloc (09022015). Collection method: clinical testing. Allele origin: germline.
Comment: This variant, c.2119_2139dup, results in the insertion of 7 amino acid(s) of the KIT protein (p.Leu707_Ser713dup), but otherwise preserves the integrity of the reading frame. This variant is not present in population databases (gnomAD no frequency). This variant has not been reported in the literature in individuals affected with KIT-related conditions. ClinVar contains an entry for this variant (Variation ID: 847388). In summary, the available evidence is currently insufficient to determine the role of this variant in disease. Therefore, it has been classified as a Variant of Uncertain Significance.

Baylor Genetics
Classification: Uncertain significance for Gastrointestinal stromal tumor. Last evaluated: 2023-06-18. Review status: criteria provided, single submitter. Criteria: ACMG Guidelines, 2015. Collection method: clinical testing. Allele origin: unknown.